The following is an entry in ClinVar:

NM_004415.4(DSP):c.2119A>G (p.Asn707Asp)

Gene: DSP (desmoplakin; plus strand). Cytogenetic location: 6p24.3.
Variant type: single nucleotide variant.
Coding change: c.2119A>G on transcript NM_004415.4 (MANE Select); coding-DNA position 2119, A replaced by G.
Protein change: p.Asn707Asp; replaces asparagine 707 with aspartic acid.
Molecular consequence: missense variant.
Genome position (GRCh38, 1-based): chr6:7,572,057, A>G. VCF-style: chr6-7572057-A-G. GRCh37 (hg19) VCF-style: chr6-7572290-A-G.
Other names: c.2119A>G (NM_004415.2); c.2119A>G, p.Asn707Asp (NM_001008844.3, NM_001319034.2); short protein forms N707D.
Identifiers: ClinVar variation 1353870 (VCV001353870.15), dbSNP rs756272327, ClinGen allele CA031692.

ClinVar aggregate classification (germline): Uncertain significance. Review status: criteria provided, multiple submitters, no conflicts (2 of 4 stars). 2 submissions from 2 submitters: Uncertain significance (2). Last evaluated 2023-06-05.

Conditions:
Cardiovascular phenotype. Identifiers: MedGen CN230736.
Arrhythmogenic cardiomyopathy with wooly hair and keratoderma. Also called: Dilated cardiomyopathy with woolly hair and keratoderma; Arrhythmogenic cardiomyopathy with woolly hair and keratoderma; PALMOPLANTAR KERATODERMA WITH LEFT VENTRICULAR CARDIOMYOPATHY AND WOOLLY HAIR; Carvajal syndrome. Identifiers: Orphanet 65282, MedGen C1854063, MONDO:0011581, OMIM 605676.
Arrhythmogenic right ventricular dysplasia 8 (ARVD8). Also called: Arrhythmogenic Right Ventricular Dysplasia/Cardiomyopathy 8; ARRHYTHMOGENIC RIGHT VENTRICULAR DYSPLASIA, FAMILIAL, 8; ARRHYTHMOGENIC RIGHT VENTRICULAR CARDIOMYOPATHY 8. Identifiers: MedGen C1843896, MONDO:0011831, OMIM 607450.

Allele frequency attached by ClinVar (database versions not stated): gnomAD exomes below 0.00001; ExAC 0.00001; gnomAD 0.00001.
gnomAD v4.1: 3 of 1,613,982 alleles (0.00019%); highest among the groups gnomAD compares: Non-Finnish European, 0.00025%; no homozygotes.

Submissions (2):

Ambry Genetics
Classification: Uncertain significance for Cardiovascular phenotype. Last evaluated: 2023-06-05. Review status: criteria provided, single submitter. Criteria: Ambry Variant Classification Scheme 2023. Collection method: clinical testing. Allele origin: germline.
Comment: The p.N707D variant (also known as c.2119A>G), located in coding exon 15 of the DSP gene, results from an A to G substitution at nucleotide position 2119. The asparagine at codon 707 is replaced by aspartic acid, an amino acid with highly similar properties. This amino acid position is conserved. In addition, this alteration is predicted to be tolerated by in silico analysis. Since supporting evidence is limited at this time, the clinical significance of this alteration remains unclear.

Labcorp Genetics (formerly Invitae), Labcorp
Classification: Uncertain significance for Arrhythmogenic cardiomyopathy with wooly hair and keratoderma; Arrhythmogenic right ventricular dysplasia 8. Last evaluated: 2023-05-22. Review status: criteria provided, single submitter. Criteria: Invitae Variant Classification Sherloc (09022015). Collection method: clinical testing. Allele origin: germline.
Comment: An algorithm developed to predict the effect of missense changes on protein structure and function (PolyPhen-2) suggests that this variant is likely to be tolerated. In summary, the available evidence is currently insufficient to determine the role of this variant in disease. Therefore, it has been classified as a Variant of Uncertain Significance. ClinVar contains an entry for this variant (Variation ID: 1353870). This variant has not been reported in the literature in individuals affected with DSP-related conditions. This variant is present in population databases (rs756272327, gnomAD 0.0009%). This sequence change replaces asparagine, which is neutral and polar, with aspartic acid, which is acidic and polar, at codon 707 of the DSP protein (p.Asn707Asp).